The following is an entry in ClinVar:

NM_006031.6(PCNT):c.7040T>C (p.Phe2347Ser)

Gene: PCNT (pericentrin; plus strand). Cytogenetic location: 21q22.3.
Variant type: single nucleotide variant.
Coding change: c.7040T>C on transcript NM_006031.6 (MANE Select); coding-DNA position 7040, T replaced by C.
Protein change: p.Phe2347Ser; replaces phenylalanine 2347 with serine.
Molecular consequence: missense variant.
Genome position (GRCh38, 1-based): chr21:46,421,985, T>C. VCF-style: chr21-46421985-T-C. GRCh37 (hg19) VCF-style: chr21-47841899-T-C.
Other names: c.6686T>C, p.Phe2229Ser (NM_001315529.2); short protein forms F2347S, F2229S.
Identifiers: ClinVar variation 159649 (VCV000159649.24), dbSNP rs150704986, ClinGen allele CA173072.
Genomic context (GRCh38, chr21:46,421,985, plus strand): 5'-CCCTGGAGAGCTGTGGGTGGGACCCTGACCCTGTGGTGTTTTTAGGTGACGGCTCGGGTT[T>C]TGGAGCAAGACTGAGCCCGGGGTCAGGAGGCCCTGAGGCTCAAACTGCTGGTCCTGTGAC-3'
Protein context (NP_006022.3, residues 2337-2357): DRSEKSDGSG[Phe2347Ser]GARLSPGSGG

ClinVar aggregate classification (germline): Benign/Likely benign. Review status: criteria provided, multiple submitters, no conflicts (2 of 4 stars). 6 submissions from 6 submitters: Benign (1); Likely benign (5). Last evaluated 2026-02-01.

Allele frequency attached by ClinVar (database versions not stated): gnomAD exomes 0.00029 and 0.00075; ExAC 0.00099; 1000 Genomes Project 30x 0.00219; 1000 Genomes Project 0.00220; gnomAD 0.00321 and 0.00341; TOPMed 0.00328; ESP Exome Variant Server 0.00384.
gnomAD v4.1: 913 of 1,614,048 alleles (0.057%); highest among the groups gnomAD compares: African/African-American, 1.1%; 6 homozygotes.

Submissions (6):

Labcorp Genetics (formerly Invitae), Labcorp
Classification: Benign. Last evaluated: 2026-02-01. Review status: criteria provided, single submitter. Criteria: Invitae Variant Classification Sherloc (09022015). Collection method: clinical testing. Allele origin: germline.

CeGaT Center for Human Genetics Tuebingen
Classification: Likely benign. Last evaluated: 2025-11-01. Review status: criteria provided, single submitter. Criteria: CeGaT Center For Human Genetics Tuebingen Variant Classification Criteria Version 2. Collection method: clinical testing. Allele origin: germline. Affected: yes. Observed: 1 variant allele.
Comment: PCNT: BP4, BS1

Blueprint Genetics
Classification: Likely benign. Last evaluated: 2024-10-30. Review status: criteria provided, single submitter. Criteria: ACMG Guidelines, 2015. Collection method: clinical testing. Allele origin: germline.

GeneDx
Classification: Likely benign. Last evaluated: 2020-03-27. Review status: criteria provided, single submitter. Criteria: GeneDx Variant Classification Process June 2021. Collection method: clinical testing. Allele origin: germline. Affected: yes.

Genetic Services Laboratory, University of Chicago
Classification: Likely benign. Last evaluated: 2015-03-04. Review status: criteria provided, single submitter. Criteria: ACMG Guidelines, 2015. Collection method: clinical testing. Allele origin: germline.

Breakthrough Genomics
Classification: Likely benign. Review status: criteria provided, single submitter. Criteria: ACMG Guidelines, 2015. Collection method: not provided. Allele origin: germline. Inheritance: Autosomal recessive inheritance. Affected: yes.